The following is an entry in ClinVar:

NM_014714.4(IFT140):c.2554C>G (p.Leu852Val)

Gene: IFT140 (intraflagellar transport 140; minus strand). Cytogenetic location: 16p13.3.
Variant type: single nucleotide variant.
Coding change: c.2554C>G on transcript NM_014714.4 (MANE Select); coding-DNA position 2554, C replaced by G.
Protein change: p.Leu852Val; replaces leucine 852 with valine.
Molecular consequence: missense variant.
Genome position (GRCh38, 1-based): chr16:1,526,642, G>C on the plus strand (C>G on the coding strand, the complement: IFT140 is on the minus strand). VCF-style: chr16-1526642-G-C. GRCh37 (hg19) VCF-style: chr16-1576643-G-C.
Other names: c.2554C>G (NM_014714.3); short protein forms L852V.
Identifiers: ClinVar variation 2428422 (VCV002428422.5), dbSNP rs779954025, ClinGen allele CA7813586.

ClinVar aggregate classification (germline): Uncertain significance. Review status: criteria provided, multiple submitters, no conflicts (2 of 4 stars). 3 submissions from 3 submitters: Uncertain significance (3). Last evaluated 2025-08-26.

Conditions:
Retinitis pigmentosa 80 (RP80). Identifiers: MedGen C4540439, MONDO:0054708, OMIM 617781.
Saldino-Mainzer syndrome (SRTD9). Also called: CONORENAL SYNDROME; Renal dysplasia, retinal pigmentary dystrophy, cerebellar ataxia and skeletal dysplasia; SHORT-RIB THORACIC DYSPLASIA 9 WITHOUT POLYDACTYLY; short-rib thoracic dysplasia 9 with or without polydactyly. Identifiers: Orphanet 140969, MedGen C1849437, MONDO:0009964, OMIM 266920.
Inborn genetic diseases. Identifiers: MedGen C0950123, MeSH D030342.

gnomAD v4.1: 113 of 1,572,208 alleles (0.0072%); highest among the groups gnomAD compares: Non-Finnish European, 0.0093%; no homozygotes.

Submissions (3):

Ambry Genetics
Classification: Uncertain significance for Inborn genetic diseases. Last evaluated: 2025-08-26. Review status: criteria provided, single submitter. Criteria: Ambry Variant Classification Scheme 2023. Collection method: clinical testing. Allele origin: germline.

Fulgent Genetics
Classification: Uncertain significance for Saldino-Mainzer syndrome; Retinitis pigmentosa 80. Last evaluated: 2024-04-23. Review status: criteria provided, single submitter. Criteria: ACMG Guidelines, 2015. Collection method: clinical testing. Allele origin: germline.

Labcorp Genetics (formerly Invitae), Labcorp
Classification: Uncertain significance for Saldino-Mainzer syndrome. Last evaluated: 2022-02-19. Review status: criteria provided, single submitter. Criteria: Invitae Variant Classification Sherloc (09022015). Collection method: clinical testing. Allele origin: germline.
Comment: This sequence change replaces leucine, which is neutral and non-polar, with valine, which is neutral and non-polar, at codon 852 of the IFT140 protein (p.Leu852Val). This variant is present in population databases (rs779954025, gnomAD 0.002%). This variant has not been reported in the literature in individuals affected with IFT140-related conditions. Algorithms developed to predict the effect of missense changes on protein structure and function are either unavailable or do not agree on the potential impact of this missense change (SIFT: "Deleterious"; PolyPhen-2: "Probably Damaging"; Align-GVGD: "Class C0"). In summary, the available evidence is currently insufficient to determine the role of this variant in disease. Therefore, it has been classified as a Variant of Uncertain Significance.